The following is an entry in ClinVar:

ClinVar aggregate classification (germline): Benign/Likely benign. Review status: criteria provided, multiple submitters, no conflicts (2 of 4 stars). 5 submissions from 5 submitters: Benign (1); Likely benign (4). Last evaluated 2026-01-28.

Conditions:
Junctional epidermolysis bullosa, non-Herlitz type. Also called: Adult junctional epidermolysis bullosa; COL17A1-Related Junctional Epidermolysis Bullosa; Epidermolysis bullosa, junctional, non-herlitz type, somatic mosaic revertant; EPIDERMOLYSIS BULLOSA, JUNCTIONAL 1A, INTERMEDIATE; EPIDERMOLYSIS BULLOSA JUNCTIONALIS, DISENTIS TYPE; EPIDERMOLYSIS BULLOSA JUNCTIONALIS, NON-HERLITZ TYPE. Identifiers: Orphanet 251393, Orphanet 79402, Orphanet 79405, Orphanet 89840, MedGen C0268374, MONDO:0009180, OMIM 226650.

Allele frequency attached by ClinVar (database versions not stated): gnomAD 0.00118; 1000 Genomes Project 0.00160; 1000 Genomes Project 30x 0.00172; TOPMed 0.00184; ESP Exome Variant Server 0.00192; gnomAD exomes 0.00197 and 0.00239; ExAC 0.00238.
gnomAD v4.1: 3,197 of 1,614,208 alleles (0.2%); highest among the groups gnomAD compares: Middle Eastern, 2.6%; 12 homozygotes.

Submissions (5):

Labcorp Genetics (formerly Invitae), Labcorp
Classification: Benign. Last evaluated: 2026-01-28. Review status: criteria provided, single submitter. Criteria: Invitae Variant Classification Sherloc (09022015). Collection method: clinical testing. Allele origin: germline.

Blueprint Genetics
Classification: Likely benign. Last evaluated: 2024-11-19. Review status: criteria provided, single submitter. Criteria: ACMG Guidelines, 2015. Collection method: clinical testing. Allele origin: germline.

CeGaT Center for Human Genetics Tuebingen
Classification: Likely benign. Last evaluated: 2023-01-01. Review status: criteria provided, single submitter. Criteria: CeGaT Center For Human Genetics Tuebingen Variant Classification Criteria Version 2. Collection method: clinical testing. Allele origin: germline. Affected: yes. Observed: 3 variant alleles.
Comment: COL17A1: BP4, BP7

Illumina Laboratory Services, Illumina
Classification: Likely benign for Junctional epidermolysis bullosa, non-Herlitz type. Last evaluated: 2018-01-13. Review status: criteria provided, single submitter. Criteria: ICSL Variant Classification Criteria 13 December 2019. Collection method: clinical testing. Allele origin: germline.
Comment: This variant was observed in the ICSL laboratory as part of a predisposition screen in an ostensibly healthy population. It had not been previously curated by ICSL or reported in the Human Gene Mutation Database (HGMD: prior to June 1st, 2018), and was therefore a candidate for classification through an automated scoring system. Utilizing variant allele frequency, disease prevalence and penetrance estimates, and inheritance mode, an automated score was calculated to assess if this variant is too frequent to cause the disease. Based on the score and internal cut-off values, a variant classified as likely benign is not then subjected to further curation. The score for this variant resulted in a classification of likely benign for this disease.

Breakthrough Genomics
Classification: Likely benign. Review status: criteria provided, single submitter. Criteria: ACMG Guidelines, 2015. Collection method: not provided. Allele origin: germline. Inheritance: Autosomal recessive inheritance. Affected: yes.

NM_000494.4(COL17A1):c.1590G>A (p.Ala530=)

Gene: COL17A1 (collagen type XVII alpha 1 chain; minus strand). Cytogenetic location: 10q25.1.
Variant type: single nucleotide variant.
Coding change: c.1590G>A on transcript NM_000494.4 (MANE Select); coding-DNA position 1590, G replaced by A.
Protein change: p.Ala530=; no amino-acid change (alanine 530 retained).
Molecular consequence: synonymous variant.
Genome position (GRCh38, 1-based): chr10:104,055,879, C>T on the plus strand (G>A on the coding strand, the complement: COL17A1 is on the minus strand). VCF-style: chr10-104055879-C-T. GRCh37 (hg19) VCF-style: chr10-105815637-C-T.
Other names: c.1590G>A, p.Ala530= (LRG_1249t1).
Identifiers: ClinVar variation 298729 (VCV000298729.55), dbSNP rs150738577, ClinGen allele CA5678983.